The following is an entry in ClinVar:

ClinVar aggregate classification (germline): Uncertain significance. Review status: criteria provided, multiple submitters, no conflicts (2 of 4 stars). 3 submissions from 3 submitters: Uncertain significance (3). Last evaluated 2025-09-27.

Conditions:
Inborn genetic diseases. Identifiers: MedGen C0950123, MeSH D030342.
Occipital pachygyria and polymicrogyria. Identifiers: Orphanet 280640, MedGen C3279875, MONDO:0013583, OMIM 614115.

Allele frequency attached by ClinVar (database versions not stated): ExAC 0.00006; gnomAD exomes 0.00006 and 0.00007; TOPMed 0.00013; gnomAD 0.00014 and 0.00016; 1000 Genomes Project 30x 0.00016; 1000 Genomes Project 0.00020.
gnomAD v4.1: 108 of 1,613,832 alleles (0.0067%); highest among the groups gnomAD compares: Middle Eastern, 0.033%; no homozygotes.

Submissions (3):

Labcorp Genetics (formerly Invitae), Labcorp
Classification: Uncertain significance. Last evaluated: 2025-09-27. Review status: criteria provided, single submitter. Criteria: Invitae Variant Classification Sherloc (09022015). Collection method: clinical testing. Allele origin: germline.
Comment: This sequence change replaces arginine, which is basic and polar, with glutamine, which is neutral and polar, at codon 1419 of the LAMC3 protein (p.Arg1419Gln). This variant is present in population databases (rs201597071, gnomAD 0.04%). This variant has not been reported in the literature in individuals affected with LAMC3-related conditions. ClinVar contains an entry for this variant (Variation ID: 1184392). An algorithm developed to predict the effect of missense changes on protein structure and function (PolyPhen-2) suggests that this variant is likely to be tolerated. In summary, the available evidence is currently insufficient to determine the role of this variant in disease. Therefore, it has been classified as a Variant of Uncertain Significance.

Ambry Genetics
Classification: Uncertain significance for Inborn genetic diseases. Last evaluated: 2021-10-14. Review status: criteria provided, single submitter. Criteria: Ambry Variant Classification Scheme 2023. Collection method: clinical testing. Allele origin: germline.

New York Genome Center
Classification: Uncertain significance for Occipital pachygyria and polymicrogyria. Last evaluated: 2020-07-17. Review status: criteria provided, single submitter. Criteria: NYGC Assertion Criteria 2020. Collection method: clinical testing. Allele origin: germline. Observed: 1 heterozygote. Study: CSER-NYCKidSeq.

NM_006059.4(LAMC3):c.4256G>A (p.Arg1419Gln)

Gene: LAMC3 (laminin subunit gamma 3; plus strand). Cytogenetic location: 9q34.12.
Variant type: single nucleotide variant.
Coding change: c.4256G>A on transcript NM_006059.4 (MANE Select); coding-DNA position 4256, G replaced by A.
Protein change: p.Arg1419Gln; replaces arginine 1419 with glutamine.
Molecular consequence: missense variant.
Genome position (GRCh38, 1-based): chr9:131,087,501, G>A. VCF-style: chr9-131087501-G-A. GRCh37 (hg19) VCF-style: chr9-133962888-G-A.
Other names: c.4256G>A (NM_006059.3); short protein forms R1419Q.
Identifiers: ClinVar variation 1184392 (VCV001184392.6), dbSNP rs201597071, ClinGen allele CA5288107.